The following is an entry in ClinVar:

NM_016169.4(SUFU):c.949G>A (p.Glu317Lys)

Gene: SUFU (SUFU negative regulator of hedgehog signaling; plus strand). Cytogenetic location: 10q24.32.
Variant type: single nucleotide variant.
Coding change: c.949G>A on transcript NM_016169.4 (MANE Select); coding-DNA position 949, G replaced by A.
Protein change: p.Glu317Lys; replaces glutamic acid 317 with lysine.
Molecular consequence: missense variant.
Genome position (GRCh38, 1-based): chr10:102,599,471, G>A. VCF-style: chr10-102599471-G-A. GRCh37 (hg19) VCF-style: chr10-104359228-G-A.
Other names: c.949G>A, p.Glu317Lys (NM_001178133.2); short protein forms E317K.
Identifiers: ClinVar variation 823286 (VCV000823286.13), dbSNP rs988284678, ClinGen allele CA212269218.

ClinVar aggregate classification (germline): Uncertain significance. Review status: criteria provided, multiple submitters, no conflicts (2 of 4 stars). 2 submissions from 2 submitters: Uncertain significance (2). Last evaluated 2025-12-13.

Conditions:
Hereditary cancer-predisposing syndrome. Also called: Hereditary Cancer Syndrome; Neoplastic Syndromes, Hereditary; Hereditary neoplastic syndrome; Tumor predisposition. Identifiers: Orphanet 140162, MedGen C0027672, MeSH D009386, MONDO:0015356.
Gorlin syndrome. Also called: Nevoid Basal Cell Carcinoma Syndrome; Basal cell nevus syndrome. Identifiers: Orphanet 377, MedGen C0004779, MONDO:0007187.
Medulloblastoma (MDB). Also called: Medulloblastoma, somatic; MEDULLOBLASTOMA PREDISPOSITION SYNDROME. Identifiers: Orphanet 616, MedGen C0025149, MeSH D008527, MONDO:0007959, OMIM 155255, HP:0002885.

Allele frequency attached by ClinVar (database versions not stated): gnomAD 0.00002; TOPMed 0.00002.
gnomAD v4.1: 11 of 1,614,028 alleles (0.00068%); highest among the groups gnomAD compares: Admixed American, 0.0033%; no homozygotes.

Submissions (2):

Labcorp Genetics (formerly Invitae), Labcorp
Classification: Uncertain significance for Gorlin syndrome; Medulloblastoma. Last evaluated: 2025-12-13. Review status: criteria provided, single submitter. Criteria: Invitae Variant Classification Sherloc (09022015). Collection method: clinical testing. Allele origin: germline.
Comment: This sequence change replaces glutamic acid, which is acidic and polar, with lysine, which is basic and polar, at codon 317 of the SUFU protein (p.Glu317Lys). This variant is not present in population databases (gnomAD no frequency). This variant has not been reported in the literature in individuals affected with SUFU-related conditions. ClinVar contains an entry for this variant (Variation ID: 823286). Invitae Evidence Modeling of protein sequence and biophysical properties (such as structural, functional, and spatial information, amino acid conservation, physicochemical variation, residue mobility, and thermodynamic stability) indicates that this missense variant is not expected to disrupt SUFU protein function with a negative predictive value of 80%. In summary, the available evidence is currently insufficient to determine the role of this variant in disease. Therefore, it has been classified as a Variant of Uncertain Significance.

Ambry Genetics
Classification: Uncertain significance for Hereditary cancer-predisposing syndrome. Last evaluated: 2023-09-15. Review status: criteria provided, single submitter. Criteria: Ambry Variant Classification Scheme 2023. Collection method: clinical testing. Allele origin: germline.
Comment: The p.E317K variant (also known as c.949G>A), located in coding exon 8 of the SUFU gene, results from a G to A substitution at nucleotide position 949. The glutamic acid at codon 317 is replaced by lysine, an amino acid with similar properties. This amino acid position is highly conserved in available vertebrate species. In addition, the in silico prediction for this alteration is inconclusive. Since supporting evidence is limited at this time, the clinical significance of this alteration remains unclear.